The following is an entry in ClinVar:

ClinVar aggregate classification (germline): Uncertain significance (1 of 4 stars; one submission).

Submission:

Ambry Genetics
Classification: Uncertain significance. Last evaluated: 2023-09-27. Review status: criteria provided, single submitter. Criteria: Ambry Variant Classification Scheme 2023. Collection method: clinical testing. Allele origin: germline.
Comment: The p.K1591Q variant (also known as c.4771A>C), located in coding exon 36 of the PRKDC gene, results from an A to C substitution at nucleotide position 4771. The lysine at codon 1591 is replaced by glutamine, an amino acid with similar properties. This amino acid position is conserved. In addition, this alteration is predicted to be tolerated by in silico analysis. Since supporting evidence is limited at this time, the clinical significance of this alteration remains unclear.

NM_006904.7(PRKDC):c.4771A>C (p.Lys1591Gln)

Gene: PRKDC (protein kinase, DNA-activated, catalytic subunit; minus strand). Cytogenetic location: 8q11.21.
Variant type: single nucleotide variant.
Coding change: c.4771A>C on transcript NM_006904.7 (MANE Select); coding-DNA position 4771, A replaced by C.
Protein change: p.Lys1591Gln; replaces lysine 1591 with glutamine.
Molecular consequence: missense variant.
Genome position (GRCh38, 1-based): chr8:47,885,949, T>G on the plus strand (A>C on the coding strand, the complement: PRKDC is on the minus strand). VCF-style: chr8-47885949-T-G. GRCh37 (hg19) VCF-style: chr8-48798510-T-G.
Other names: c.4771A>C, p.Lys1591Gln (NM_001081640.2); short protein forms K1591Q.
Identifiers: ClinVar variation 3225863 (VCV003225863.1), dbSNP rs2551873109, ClinGen allele CA371142624.